The following is an entry in ClinVar:

ClinVar aggregate classification (germline): Uncertain significance (1 of 4 stars; one submission).

Conditions:
Catecholaminergic polymorphic ventricular tachycardia 1. Also called: VENTRICULAR TACHYCARDIA, STRESS-INDUCED POLYMORPHIC 1; VENTRICULAR TACHYCARDIA, CATECHOLAMINERGIC POLYMORPHIC, 1, WITH OR WITHOUT ATRIAL DYSFUNCTION AND/OR DILATED CARDIOMYOPATHY; RYR2-Related Catecholaminergic Polymorphic Ventricular Tachycardia. Identifiers: Orphanet 3286, MedGen C1631597, MONDO:0011484, OMIM 604772.

Allele frequency attached by ClinVar (database versions not stated): ExAC 0.00001; gnomAD exomes 0.00001; TOPMed 0.00001; gnomAD 0.00003.
gnomAD v4.1: 11 of 1,612,070 alleles (0.00068%); highest among the groups gnomAD compares: Admixed American, 0.0017%; no homozygotes.

Submission:

Labcorp Genetics (formerly Invitae), Labcorp
Classification: Uncertain significance for Catecholaminergic polymorphic ventricular tachycardia 1. Last evaluated: 2022-01-16. Review status: criteria provided, single submitter. Criteria: Invitae Variant Classification Sherloc (09022015). Collection method: clinical testing. Allele origin: germline.
Comment: This sequence change replaces arginine, which is basic and polar, with threonine, which is neutral and polar, at codon 4469 of the RYR2 protein (p.Arg4469Thr). This variant is present in population databases (rs759882217, gnomAD 0.003%). In summary, the available evidence is currently insufficient to determine the role of this variant in disease. Therefore, it has been classified as a Variant of Uncertain Significance. Advanced modeling of protein sequence and biophysical properties (such as structural, functional, and spatial information, amino acid conservation, physicochemical variation, residue mobility, and thermodynamic stability) performed at Invitae indicates that this missense variant is not expected to disrupt RYR2 protein function. ClinVar contains an entry for this variant (Variation ID: 463565). This variant has not been reported in the literature in individuals affected with RYR2-related conditions.

NM_001035.3(RYR2):c.13406G>C (p.Arg4469Thr)

Gene: RYR2 (ryanodine receptor 2; plus strand). Cytogenetic location: 1q43.
Variant type: single nucleotide variant.
Coding change: c.13406G>C on transcript NM_001035.3 (MANE Select); coding-DNA position 13406, G replaced by C.
Protein change: p.Arg4469Thr; replaces arginine 4469 with threonine.
Molecular consequence: missense variant.
Genome position (GRCh38, 1-based): chr1:237,788,065, G>C. VCF-style: chr1-237788065-G-C. GRCh37 (hg19) VCF-style: chr1-237951365-G-C.
Other names: c.13406G>C, p.Arg4469Thr (LRG_402t1); short protein forms R4469T.
Identifiers: ClinVar variation 463565 (VCV000463565.10), dbSNP rs759882217, ClinGen allele CA085366.